The following is an entry in ClinVar:

ClinVar aggregate classification (germline): Uncertain significance. Review status: criteria provided, multiple submitters, no conflicts (2 of 4 stars). 3 submissions from 3 submitters: Uncertain significance (3). Last evaluated 2026-10-15.

Conditions:
Cardiovascular phenotype. Identifiers: MedGen CN230736.
Hypertrophic cardiomyopathy 3. Also called: TPM1-Related Familial Hypertrophic Cardiomyopathy. Identifiers: MedGen C1861863, MONDO:0007267, OMIM 115196.
Dilated cardiomyopathy 1Y (CMD1Y). Identifiers: Orphanet 154, Orphanet 54260, MedGen C2678476, MONDO:0012744, OMIM 611878.

Allele frequency attached by ClinVar (database versions not stated): TOPMed below 0.00001.

Submissions (3):

GeneDx
Classification: Uncertain significance. Last evaluated: 2026-10-15. Review status: criteria provided, single submitter. Criteria: GeneDx Variant Classification Process June 2021. Collection method: clinical testing. Allele origin: germline.
Comment: Not observed at significant frequency in large population cohorts (gnomAD); In silico analysis supports that this missense variant has a deleterious effect on protein structure/function; Has not been previously published as pathogenic or benign to our knowledge

Ambry Genetics
Classification: Uncertain significance for Cardiovascular phenotype. Last evaluated: 2016-11-29. Review status: criteria provided, single submitter. Criteria: Ambry Variant Classification Scheme 2023. Collection method: clinical testing. Allele origin: germline.
Comment: The p.Q9K variant (also known as c.25C>A), located in coding exon 1 of the TPM1 gene, results from a C to A substitution at nucleotide position 25. The glutamine at codon 9 is replaced by lysine, an amino acid with similar properties. This amino acid position is highly conserved in available vertebrate species. In addition, this alteration is predicted to be deleterious by in silico analysis. Since supporting evidence is limited at this time, the clinical significance of this alteration remains unclear.

Juno Genomics, Hangzhou Juno Genomics, Inc
Classification: Uncertain significance for Dilated cardiomyopathy 1Y; Hypertrophic cardiomyopathy 3. Review status: criteria provided, single submitter. Criteria: ACMG Guidelines, 2015. Collection method: clinical testing. Allele origin: germline.
Comment: Absent from controls (or at extremely low frequency if recessive) in Genome Aggregation Database.;Missense variant in a gene that has a low rate of benign missense variation.;Multiple lines of computational evidence support a deleterious effect on the gene or gene product.

NM_001018005.2(TPM1):c.25C>A (p.Gln9Lys)

Gene: TPM1 (tropomyosin 1; plus strand). Cytogenetic location: 15q22.2.
Variant type: single nucleotide variant.
Coding change: c.25C>A on transcript NM_001018005.2 (MANE Select); coding-DNA position 25, C replaced by A.
Protein change: p.Gln9Lys; replaces glutamine 9 with lysine.
Molecular consequence: missense variant.
Genome position (GRCh38, 1-based): chr15:63,042,854, C>A. VCF-style: chr15-63042854-C-A. GRCh37 (hg19) VCF-style: chr15-63335053-C-A.
Other names: p.Q9K:CAG>AAG; c.25C>A, p.Gln9Lys (NM_000366.6, NM_001018004.2, NM_001018006.2 and 7 more transcripts); short protein forms Q9K.
Identifiers: ClinVar variation 181676 (VCV000181676.9), dbSNP rs730881149, ClinGen allele CA018800.